The following is an entry in ClinVar:

ClinVar aggregate classification (germline): Uncertain significance (1 of 4 stars; one submission).

gnomAD v4.1: 7 of 1,613,928 alleles (0.00043%); highest among the groups gnomAD compares: East Asian, 0.013%; no homozygotes.

Submission:

Labcorp Genetics (formerly Invitae), Labcorp
Classification: Uncertain significance. Last evaluated: 2025-11-24. Review status: criteria provided, single submitter. Criteria: Invitae Variant Classification Sherloc (09022015). Collection method: clinical testing. Allele origin: germline.
Comment: This sequence change replaces proline, which is neutral and non-polar, with serine, which is neutral and polar, at codon 2191 of the MYO18B protein (p.Pro2191Ser). This variant is present in population databases (rs754258672, gnomAD 0.02%). This variant has not been reported in the literature in individuals affected with MYO18B-related conditions. An algorithm developed to predict the effect of missense changes on protein structure and function outputs the following: PolyPhen-2: "Benign". The serine amino acid residue is found in multiple mammalian species, which suggests that this missense change does not adversely affect protein function. In summary, the available evidence is currently insufficient to determine the role of this variant in disease. Therefore, it has been classified as a Variant of Uncertain Significance.

NM_032608.7(MYO18B):c.6571C>T (p.Pro2191Ser)

Gene: MYO18B (myosin XVIIIB; plus strand). Cytogenetic location: 22q12.1.
Variant type: single nucleotide variant.
Coding change: c.6571C>T on transcript NM_032608.7 (MANE Select); coding-DNA position 6571, C replaced by T.
Protein change: p.Pro2191Ser; replaces proline 2191 with serine.
Molecular consequence: missense variant.
Genome position (GRCh38, 1-based): chr22:26,026,545, C>T. VCF-style: chr22-26026545-C-T. GRCh37 (hg19) VCF-style: chr22-26422511-C-T.
Other names: c.6574C>T, p.Pro2192Ser (NM_001318245.2); short protein forms P2191S, P2192S.
Identifiers: ClinVar variation 4700057 (VCV004700057.1).
Genomic context (GRCh38, chr22:26,026,545, plus strand): 5'-GCATTGGCACTGAGCAGAGCCCGGTCCACCAATGTCCACAGCAAGACCTCAGGAGACAAG[C>T]CTGTTTCTCCCCACTTTGTCCGCCGGCAAAAGTACTGTCATTTTGGGGACGGCGAAGTGC-3'
Protein context (NP_115997.5, residues 2181-2201): NVHSKTSGDK[Pro2191Ser]VSPHFVRRQK